The following is an entry in ClinVar:

ClinVar aggregate classification (germline): Likely benign. Review status: reviewed by expert panel (3 of 4 stars). 2 submissions from 2 submitters: Likely benign (1). 1 of the submissions does not count toward it. Last evaluated 2025-01-15.

Conditions:
Hereditary thrombocytopenia and hematologic cancer predisposition syndrome. Identifiers: Orphanet 71290, MedGen CN281654, MONDO:0011071.
Hereditary thrombocytopenia and hematological cancer predisposition syndrome associated with RUNX1. Also called: PLATELET DISORDER, ASPIRIN-LIKE; RUNX1 Familial Platelet Disorder with Associated Myeloid Malignancies; Familial Platelet Disorder with Propensity to Acute Myelogenous Leukemia; Familial thrombocytopenia with propensity to acute myelogenous leukemia. Identifiers: Orphanet 71290, MedGen C1832388, MeSH C563324, MONDO:0100083, OMIM 601399.

Allele frequency attached by ClinVar (database versions not stated): gnomAD exomes 0.00003.
gnomAD v4.1: 2 of 233,718 alleles (0.00086%); highest among the groups gnomAD compares: East Asian, 0.012%; no homozygotes.

Submissions (2):

ClinGen Myeloid Malignancy Variant Curation Expert Panel
Classification: Likely benign for Hereditary thrombocytopenia and hematologic cancer predisposition syndrome. Last evaluated: 2025-01-15. Review status: reviewed by expert panel. Criteria: ClinGen MyeloMalig ACMG Specifications v2. Collection method: curation. Allele origin: germline. Inheritance: Autosomal dominant inheritance.
Comment: NM_001754.5(RUNX1):c.*2678A>G is a 3'UTR variant. This 3'UTR variant has a SpliceAI score ≤ 0.20 (0.00) (BP4) and the variant is not highly conserved (PhyloP score ≤ 2.0 (1.316)) (BP7). In summary, the clinical significance of this variant Likely benign. ACMG/AMP criteria applied, as specified by the Myeloid Malignancy Variant Curation Expert Panel for RUNX1: BP4, BP7

Illumina Laboratory Services, Illumina
Classification: Uncertain significance for Hereditary thrombocytopenia and hematological cancer predisposition syndrome associated with RUNX1. Last evaluated: 2018-01-13. Review status: criteria provided, single submitter. Criteria: ICSL Variant Classification Criteria 13 December 2019. Collection method: clinical testing. Allele origin: germline. Not counted in ClinVar's aggregate classification.

NM_001754.5(RUNX1):c.*2678A>G

Gene: RUNX1 (RUNX family transcription factor 1; minus strand). Cytogenetic location: 21q22.12.
Variant type: single nucleotide variant.
Coding change: c.*2678A>G on transcript NM_001754.5 (MANE Select); 2678 bases downstream of the stop codon, A replaced by G.
Molecular consequence: 3 prime UTR variant.
Genome position (GRCh38, 1-based): chr21:34,789,457, T>C on the plus strand (A>G on the coding strand, the complement: RUNX1 is on the minus strand). VCF-style: chr21-34789457-T-C. GRCh37 (hg19) VCF-style: chr21-36161754-T-C.
Other names: c.*2678A>G (NM_001001890.3).
Identifiers: ClinVar variation 339823 (VCV000339823.6), dbSNP rs886057035, ClinGen allele CA10644625.
Genomic context (GRCh38, chr21:34,789,457, plus strand): 5'-ATCCATGTTGAAATCATAAATAGGGACATGAGTAAGCAGTAGAAATGGCTTATTCAATAC[T>C]TCTCCTGGACCAGACACATGCAGTTATTACATGATTGGCTTAAGGGTCTCATTGATACCT-3'